The following is an entry in ClinVar:

ClinVar aggregate classification (germline): Uncertain significance. Review status: criteria provided, multiple submitters, no conflicts (2 of 4 stars). 2 submissions from 2 submitters: Uncertain significance (2). Last evaluated 2025-09-14.

Conditions:
Hereditary nonpolyposis colorectal neoplasms. Identifiers: MedGen C0009405, MeSH D003123.
Hereditary cancer-predisposing syndrome. Also called: Tumor predisposition; Neoplastic Syndromes, Hereditary; Hereditary Cancer Syndrome; Hereditary neoplastic syndrome. Identifiers: Orphanet 140162, MedGen C0027672, MeSH D009386, MONDO:0015356.

Submissions (2):

Labcorp Genetics (formerly Invitae), Labcorp
Classification: Uncertain significance for Hereditary nonpolyposis colorectal neoplasms. Last evaluated: 2025-09-14. Review status: criteria provided, single submitter. Criteria: Invitae Variant Classification Sherloc (09022015). Collection method: clinical testing. Allele origin: germline.
Comment: This sequence change replaces proline, which is neutral and non-polar, with histidine, which is basic and polar, at codon 107 of the MSH6 protein (p.Pro107His). This variant is not present in population databases (gnomAD no frequency). This variant has not been reported in the literature in individuals affected with MSH6-related conditions. ClinVar contains an entry for this variant (Variation ID: 1728906). Invitae Evidence Modeling of protein sequence and biophysical properties (such as structural, functional, and spatial information, amino acid conservation, physicochemical variation, residue mobility, and thermodynamic stability) indicates that this missense variant is expected to disrupt MSH6 protein function with a positive predictive value of 95%. In summary, the available evidence is currently insufficient to determine the role of this variant in disease. Therefore, it has been classified as a Variant of Uncertain Significance.

Ambry Genetics
Classification: Uncertain significance for Hereditary cancer-predisposing syndrome. Last evaluated: 2022-10-22. Review status: criteria provided, single submitter. Criteria: Ambry Variant Classification Scheme 2023. Collection method: clinical testing. Allele origin: germline.
Comment: The p.P107H variant (also known as c.320C>A), located in coding exon 2 of the MSH6 gene, results from a C to A substitution at nucleotide position 320. The proline at codon 107 is replaced by histidine, an amino acid with similar properties. This amino acid position is highly conserved in available vertebrate species. In addition, this alteration is predicted to be deleterious by in silico analysis. Since supporting evidence is limited at this time, the clinical significance of this alteration remains unclear.

NM_000179.3(MSH6):c.320C>A (p.Pro107His)

Gene: MSH6 (mutS homolog 6; plus strand). Cytogenetic location: 2p16.3.
Variant type: single nucleotide variant.
Coding change: c.320C>A on transcript NM_000179.3 (MANE Select); coding-DNA position 320, C replaced by A.
Protein change: p.Pro107His; replaces proline 107 with histidine.
Molecular consequence: missense variant. On other transcripts: 5 prime UTR variant (2), intron variant (1).
Genome position (GRCh38, 1-based): chr2:47,790,986, C>A. VCF-style: chr2-47790986-C-A. GRCh37 (hg19) VCF-style: chr2-48018125-C-A.
Other names: c.-417C>A (NM_001281493.2, NM_001406811.1, NM_001406823.1 and 1 more transcripts); c.-583C>A (NM_001281494.2); c.416C>A, p.Pro139His (NM_001406795.1, NM_001406802.1); c.320C>A, p.Pro107His (NM_001406796.1, NM_001406798.1, NM_001406800.1 and 6 more transcripts); c.23C>A, p.Pro8His (NM_001406797.1, NM_001406801.1, NM_001406805.1 and 10 more transcripts); c.242C>A, p.Pro81His (NM_001406804.1); c.-609C>A (NM_001406807.1); c.-675C>A (NM_001406814.1); and 2 more; short protein forms P8H, P107H, P139H, P51H, P81H.
Identifiers: ClinVar variation 1728906 (VCV001728906.3), dbSNP rs878853732, ClinGen allele CA346736926.